The following is an entry in ClinVar:

NM_001130823.3(DNMT1):c.374C>T (p.Ala125Val)

Gene: DNMT1 (DNA methyltransferase 1; minus strand). Cytogenetic location: 19p13.2.
Variant type: single nucleotide variant.
Coding change: c.374C>T on transcript NM_001130823.3 (MANE Select); coding-DNA position 374, C replaced by T.
Protein change: p.Ala125Val; replaces alanine 125 with valine.
Molecular consequence: missense variant.
Genome position (GRCh38, 1-based): chr19:10,180,421, G>A on the plus strand (C>T on the coding strand, the complement: DNMT1 is on the minus strand). VCF-style: chr19-10180421-G-A. GRCh37 (hg19) VCF-style: chr19-10291097-G-A.
Other names: c.374C>T, p.Ala125Val (NM_001318730.2, NM_001379.4); c.11C>T, p.Ala4Val (NM_001318731.2); short protein forms A125V, A4V.
Identifiers: ClinVar variation 860811 (VCV000860811.9), dbSNP rs2039023989, ClinGen allele CA403946251.

ClinVar aggregate classification (germline): Uncertain significance (1 of 4 stars; one submission).

Conditions:
Hereditary sensory neuropathy-deafness-dementia syndrome. Also called: NEUROPATHY, HEREDITARY SENSORY, WITH HEARING LOSS AND DEMENTIA; Hereditary sensory neuropathy type IE; HSN IE; Hereditary Sensory and Autonomic Neuropathy Type 1E (HSAN1E). Identifiers: Orphanet 456318, MedGen C3279885, MONDO:0013584, OMIM 614116.

Allele frequency attached by ClinVar (database versions not stated): gnomAD exomes below 0.00001; TOPMed below 0.00001; gnomAD 0.00001.
gnomAD v4.1: 3 of 1,613,922 alleles (0.00019%); highest among the groups gnomAD compares: Non-Finnish European, 0.00025%; no homozygotes.

Submission:

Labcorp Genetics (formerly Invitae), Labcorp
Classification: Uncertain significance for Hereditary sensory neuropathy-deafness-dementia syndrome. Last evaluated: 2019-04-18. Review status: criteria provided, single submitter. Criteria: Invitae Variant Classification Sherloc (09022015). Collection method: clinical testing. Allele origin: germline.
Comment: Algorithms developed to predict the effect of missense changes on protein structure and function (SIFT, PolyPhen-2, Align-GVGD) all suggest that this variant is likely to be tolerated, but these predictions have not been confirmed by published functional studies and their clinical significance is uncertain. In summary, the available evidence is currently insufficient to determine the role of this variant in disease. Therefore, it has been classified as a Variant of Uncertain Significance. This sequence change replaces alanine with valine at codon 125 of the DNMT1 protein (p.Ala125Val). The alanine residue is weakly conserved and there is a small physicochemical difference between alanine and valine. This variant has not been reported in the literature in individuals with DNMT1-related conditions.